The following is an entry in ClinVar:

NM_022089.4(ATP13A2):c.1120C>A (p.Leu374Ile)

Gene: ATP13A2 (ATPase cation transporting 13A2; minus strand). Cytogenetic location: 1p36.13.
Variant type: single nucleotide variant.
Coding change: c.1120C>A on transcript NM_022089.4 (MANE Select); coding-DNA position 1120, C replaced by A.
Protein change: p.Leu374Ile; replaces leucine 374 with isoleucine.
Molecular consequence: missense variant.
Genome position (GRCh38, 1-based): chr1:16,997,095, G>T on the plus strand (C>A on the coding strand, the complement: ATP13A2 is on the minus strand). VCF-style: chr1-16997095-G-T. GRCh37 (hg19) VCF-style: chr1-17323590-G-T.
Other names: c.1105C>A, p.Leu369Ile (NM_001141973.3, NM_001141974.3); short protein forms L369I, L374I.
Identifiers: ClinVar variation 2081899 (VCV002081899.4), dbSNP rs2523724476, ClinGen allele CA338255116.

ClinVar aggregate classification (germline): Uncertain significance (1 of 4 stars; one submission).

Conditions:
Kufor-Rakeb syndrome (KRS). Also called: PARKINSON DISEASE 9, AUTOSOMAL RECESSIVE, JUVENILE-ONSET. Identifiers: Orphanet 306674, Orphanet 314632, MedGen C1847640, MONDO:0011706, OMIM 606693.
Autosomal recessive spastic paraplegia type 78. Identifiers: Orphanet 513436, MedGen C5567893, MONDO:0014975, OMIM 617225.

Submission:

Labcorp Genetics (formerly Invitae), Labcorp
Classification: Uncertain significance for Kufor-Rakeb syndrome; Autosomal recessive spastic paraplegia type 78. Last evaluated: 2024-10-16. Review status: criteria provided, single submitter. Criteria: Invitae Variant Classification Sherloc (09022015). Collection method: clinical testing. Allele origin: germline.
Comment: This sequence change replaces leucine, which is neutral and non-polar, with isoleucine, which is neutral and non-polar, at codon 374 of the ATP13A2 protein (p.Leu374Ile). This variant is not present in population databases (gnomAD no frequency). This variant has not been reported in the literature in individuals affected with ATP13A2-related conditions. ClinVar contains an entry for this variant (Variation ID: 2081899). Invitae Evidence Modeling of protein sequence and biophysical properties (such as structural, functional, and spatial information, amino acid conservation, physicochemical variation, residue mobility, and thermodynamic stability) indicates that this missense variant is not expected to disrupt ATP13A2 protein function with a negative predictive value of 80%. In summary, the available evidence is currently insufficient to determine the role of this variant in disease. Therefore, it has been classified as a Variant of Uncertain Significance.